The following is an entry in ClinVar:

ClinVar aggregate classification (germline): Uncertain significance. Review status: criteria provided, multiple submitters, no conflicts (2 of 4 stars). 2 submissions from 2 submitters: Uncertain significance (2). Last evaluated 2024-09-23.

Conditions:
DOCK2 deficiency. Also called: Immunodeficiency 40. Identifiers: Orphanet 447737, MedGen C4225328, MONDO:0014637, OMIM 616433.

Allele frequency attached by ClinVar (database versions not stated): ExAC 0.00003; TOPMed 0.00004; gnomAD 0.00005; gnomAD exomes 0.00006 and 0.00008; ESP Exome Variant Server 0.00008.
gnomAD v4.1: 131 of 1,613,858 alleles (0.0081%); highest among the groups gnomAD compares: Middle Eastern, 0.066%; no homozygotes.

Submissions (2):

Blueprint Genetics
Classification: Uncertain significance. Last evaluated: 2024-09-23. Review status: criteria provided, single submitter. Criteria: ACMG Guidelines, 2015. Collection method: clinical testing. Allele origin: germline.

Labcorp Genetics (formerly Invitae), Labcorp
Classification: Uncertain significance for DOCK2 deficiency. Last evaluated: 2024-01-25. Review status: criteria provided, single submitter. Criteria: Invitae Variant Classification Sherloc (09022015). Collection method: clinical testing. Allele origin: germline.
Comment: This sequence change replaces alanine, which is neutral and non-polar, with valine, which is neutral and non-polar, at codon 454 of the DOCK2 protein (p.Ala454Val). This variant is present in population databases (rs374175915, gnomAD 0.02%). This variant has not been reported in the literature in individuals affected with DOCK2-related conditions. ClinVar contains an entry for this variant (Variation ID: 1041428). An algorithm developed to predict the effect of missense changes on protein structure and function (PolyPhen-2) suggests that this variant¬†is likely to be tolerated. In summary, the available evidence is currently insufficient to determine the role of this variant in disease. Therefore, it has been classified as a Variant of Uncertain Significance.

NM_004946.3(DOCK2):c.1361C>T (p.Ala454Val)

Gene: DOCK2 (dedicator of cytokinesis 2; plus strand). Cytogenetic location: 5q35.1.
Variant type: single nucleotide variant.
Coding change: c.1361C>T on transcript NM_004946.3 (MANE Select); coding-DNA position 1361, C replaced by T.
Protein change: p.Ala454Val; replaces alanine 454 with valine.
Molecular consequence: missense variant. On other transcripts: non-coding transcript variant (1).
Genome position (GRCh38, 1-based): chr5:169,702,405, C>T. VCF-style: chr5-169702405-C-T. GRCh37 (hg19) VCF-style: chr5-169129409-C-T.
Other names: short protein forms A454V.
Identifiers: ClinVar variation 1041428 (VCV001041428.7), dbSNP rs374175915, ClinGen allele CA3553429.